The following is an entry in ClinVar:

ClinVar aggregate classification (germline): Benign (0 of 4 stars; one submission).

Conditions:
RECQL5-related disorder. Also called: RECQL5-related condition.

Allele frequency attached by ClinVar (database versions not stated): gnomAD exomes 0.00018; ExAC 0.00084; gnomAD 0.00206; 1000 Genomes Project 30x 0.00234; ESP Exome Variant Server 0.00238; TOPMed 0.00247; 1000 Genomes Project 0.00260.
gnomAD v4.1: 587 of 1,614,032 alleles (0.036%); highest among the groups gnomAD compares: African/African-American, 0.7%; 1 homozygote.

Submission:

PreventionGenetics, part of Exact Sciences
Classification: Benign for RECQL5-related condition. Last evaluated: 2019-11-06. Review status: no assertion criteria provided. Collection method: clinical testing. Allele origin: germline.
Comment: This variant is classified as benign based on ACMG/AMP sequence variant interpretation guidelines (Richards et al. 2015 PMID: 25741868, with internal and published modifications).

NM_004259.7(RECQL5):c.1229+528C>T

Gene: RECQL5 (RecQ like helicase 5; minus strand). Cytogenetic location: 17q25.1.
Variant type: single nucleotide variant.
Coding change: c.1229+528C>T on transcript NM_004259.7 (MANE Select); 528 bases into the intron after coding-DNA position 1229, C replaced by T.
Molecular consequence: intron variant. On other transcripts: synonymous variant (1), 3 prime UTR variant (1).
Genome position (GRCh38, 1-based): chr17:75,650,658, G>A on the plus strand (C>T on the coding strand, the complement: RECQL5 is on the minus strand). VCF-style: chr17-75650658-G-A. GRCh37 (hg19) VCF-style: chr17-73646738-G-A.
Other names: c.1290C>T, p.Ser430= (NM_001003715.4); c.*524C>T (NM_001003716.4).
Identifiers: ClinVar variation 3038928 (VCV003038928.2), dbSNP rs139358407, ClinGen allele CA8767694.